The following is an entry in ClinVar:

ClinVar aggregate classification (germline): Conflicting classifications of pathogenicity. Review status: criteria provided, conflicting classifications (1 of 4 stars). 2 submissions from 2 submitters: Uncertain significance (1); Likely benign (1). Last evaluated 2025-05-15.

Conditions:
Hereditary cancer-predisposing syndrome. Also called: Hereditary neoplastic syndrome; Hereditary Cancer Syndrome; Neoplastic Syndromes, Hereditary; Tumor predisposition. Identifiers: Orphanet 140162, MedGen C0027672, MeSH D009386, MONDO:0015356.
Hereditary breast ovarian cancer syndrome. Also called: Hereditary breast and ovarian cancer syndrome; Hereditary breast and ovarian cancer syndrome (HBOC); Breast and ovarian cancer; Hereditary breast and/or ovarian cancer syndrome; Hereditary breast and ovarian cancer; BRCA1- and BRCA2-Associated Hereditary Breast and Ovarian Cancer. Identifiers: Orphanet 145, MedGen C0677776, MeSH D061325, MONDO:0003582. Disease mechanism: loss of function.

gnomAD v4.1: 1 of 1,613,976 alleles (0.000062%); highest among the groups gnomAD compares: South Asian, 0.0011%; no homozygotes.

Submissions (2):

Ambry Genetics
Classification: Likely benign for Hereditary cancer-predisposing syndrome. Last evaluated: 2025-05-15. Review status: criteria provided, single submitter. Criteria: Ambry Variant Classification Scheme 2023. Collection method: clinical testing. Allele origin: germline.

Labcorp Genetics (formerly Invitae), Labcorp
Classification: Uncertain significance for Hereditary breast ovarian cancer syndrome. Last evaluated: 2023-04-22. Review status: criteria provided, single submitter. Criteria: Invitae Variant Classification Sherloc (09022015). Collection method: clinical testing. Allele origin: germline.
Comment: This sequence change replaces serine, which is neutral and polar, with cysteine, which is neutral and slightly polar, at codon 3070 of the BRCA2 protein (p.Ser3070Cys). This variant is not present in population databases (gnomAD no frequency). This variant has not been reported in the literature in individuals affected with BRCA2-related conditions. ClinVar contains an entry for this variant (Variation ID: 230213). Advanced modeling of protein sequence and biophysical properties (such as structural, functional, and spatial information, amino acid conservation, physicochemical variation, residue mobility, and thermodynamic stability) performed at Invitae indicates that this missense variant is not expected to disrupt BRCA2 protein function. In summary, the available evidence is currently insufficient to determine the role of this variant in disease. Therefore, it has been classified as a Variant of Uncertain Significance.

NM_000059.4(BRCA2):c.9209C>G (p.Ser3070Cys)

Gene: BRCA2 (BRCA2 DNA repair associated; plus strand). Cytogenetic location: 13q13.1.
Variant type: single nucleotide variant.
Coding change: c.9209C>G on transcript NM_000059.4 (MANE Select); coding-DNA position 9209, C replaced by G.
Protein change: p.Ser3070Cys; replaces serine 3070 with cysteine.
Molecular consequence: missense variant.
Genome position (GRCh38, 1-based): chr13:32,380,098, C>G. VCF-style: chr13-32380098-C-G. GRCh37 (hg19) VCF-style: chr13-32954235-C-G.
Other names: short protein forms S3070C.
Identifiers: ClinVar variation 230213 (VCV000230213.9), dbSNP rs747837583, ClinGen allele CA10579817.